The following is an entry in ClinVar:

NM_001282225.2(ADA2):c.882-2A>G

Gene: ADA2 (adenosine deaminase 2; minus strand). Cytogenetic location: 22q11.1.
Variant type: single nucleotide variant.
Coding change: c.882-2A>G on transcript NM_001282225.2 (MANE Select); the canonical splice acceptor site of the intron before coding-DNA position 882, A replaced by G.
Molecular consequence: splice acceptor variant.
Genome position (GRCh38, 1-based): chr22:17,190,034, T>C on the plus strand (A>G on the coding strand, the complement: ADA2 is on the minus strand). VCF-style: chr22-17190034-T-C. GRCh37 (hg19) VCF-style: chr22-17670924-T-C.
Other names: c.522-2A>G (NM_001282229.1, NM_001282229.2); c.756-2A>G (NM_001282227.2, NM_001282228.2); c.882-2A>G (NM_001282226.2); c.159-2A>G (NM_177405.3).
Identifiers: ClinVar variation 1027880 (VCV001027880.8), dbSNP rs2062095528, ClinGen allele CA410233840.
Genomic context (GRCh38, chr22:17,190,034, plus strand): 5'-TGATTCGGAGCCCCATGGCCATTCGGATGGATTCTGCGATGACAGCCACATCTTTGGATC[T>C]GTGAGACAGACAGAGAAGCCAGGAGACAGTGCCCAGCACCGACAGAGCACAAACCCCAGA-3'

ClinVar aggregate classification (germline): Pathogenic. Review status: criteria provided, multiple submitters, no conflicts (2 of 4 stars). 3 submissions from 3 submitters: Pathogenic (3). Last evaluated 2025-05-19.

Conditions:
Deficiency of adenosine deaminase 2. Also called: Polyarteritis nodosa, childhoood-onset; Adenosine Deaminase 2 Deficiency; VASCULITIS, AUTOINFLAMMATION, IMMUNODEFICIENCY, AND HEMATOLOGIC DEFECTS SYNDROME. Identifiers: Orphanet 404553, MedGen C3887654, MONDO:0014306, OMIM 615688, MONDO:0100317.

Submissions (3):

Labcorp Genetics (formerly Invitae), Labcorp
Classification: Pathogenic for Deficiency of adenosine deaminase 2. Last evaluated: 2025-05-19. Review status: criteria provided, single submitter. Criteria: Invitae Variant Classification Sherloc (09022015). Collection method: clinical testing. Allele origin: germline.
Comment: This sequence change affects an acceptor splice site in intron 5 of the ADA2 gene. It is expected to disrupt RNA splicing. Variants that disrupt the donor or acceptor splice site typically lead to a loss of protein function (PMID: 16199547), and loss-of-function variants in ADA2 are known to be pathogenic (PMID: 24552284, 24552285). This variant is not present in population databases (gnomAD no frequency). Disruption of this splice site has been observed in individual(s) with ADA2-related conditions (PMID: 29271561, 29951947). ClinVar contains an entry for this variant (Variation ID: 1027880). Algorithms developed to predict the effect of sequence changes on RNA splicing suggest that this variant may disrupt the consensus splice site. For these reasons, this variant has been classified as Pathogenic.

Genomic Medicine Center of Excellence, King Faisal Specialist Hospital and Research Centre
Classification: Pathogenic for Deficiency of adenosine deaminase 2. Last evaluated: 2024-03-25. Review status: criteria provided, single submitter. Criteria: ACMG Guidelines, 2015. Collection method: research. Allele origin: germline.

Baylor Genetics
Classification: Pathogenic for Deficiency of adenosine deaminase 2. Last evaluated: 2019-11-26. Review status: criteria provided, single submitter. Criteria: ACMG Guidelines, 2015. Collection method: clinical testing. Allele origin: unknown. Affected: yes.
Comment: This variant was determined to be pathogenic according to ACMG Guidelines, 2015 [PMID:25741868].

Literature cited by the submitters: PubMed 16199547 (cited by Labcorp Genetics (formerly Invitae), Labcorp); PubMed 24552284 (cited by Labcorp Genetics (formerly Invitae), Labcorp); PubMed 24552285 (cited by Labcorp Genetics (formerly Invitae), Labcorp); PubMed 29271561 (cited by Labcorp Genetics (formerly Invitae), Labcorp); PubMed 29951947 (cited by Labcorp Genetics (formerly Invitae), Labcorp).